The following is an entry in ClinVar:

ClinVar aggregate classification (germline): Uncertain significance. Review status: criteria provided, multiple submitters, no conflicts (2 of 4 stars). 3 submissions from 3 submitters: Uncertain significance (3). Last evaluated 2025-11-06.

Conditions:
Inborn genetic diseases. Identifiers: MedGen C0950123, MeSH D030342.
Severe intellectual disability-progressive spastic diplegia syndrome (NEDSDV). Also called: NEURODEVELOPMENTAL DISORDER WITH SPASTIC DIPLEGIA AND VISUAL DEFECTS; CTNNB1 Neurodevelopmental Disorder. Identifiers: Orphanet 404473, MedGen C3554449, MONDO:0014035, OMIM 615075.

Allele frequency attached by ClinVar (database versions not stated): gnomAD exomes below 0.00001; ExAC 0.00001.
gnomAD v4.1: 3 of 1,613,606 alleles (0.00019%); highest among the groups gnomAD compares: Non-Finnish European, 0.00025%; no homozygotes.

Submissions (3):

Clinical Genetics Laboratory, University Hospital Schleswig-Holstein
Classification: Uncertain significance for Severe intellectual disability-progressive spastic diplegia syndrome. Last evaluated: 2025-11-06. Review status: criteria provided, single submitter. Criteria: ACMG Guidelines, 2015. Collection method: clinical testing. Allele origin: paternal. Affected: yes. Observed: 1 heterozygote.
Comment: ACMG criteria applied: PM2, PVS1_Moderate, BS4_Supporting

GeneDx
Classification: Uncertain significance. Last evaluated: 2025-08-14. Review status: criteria provided, single submitter. Criteria: GeneDx Variant Classification Process June 2021. Collection method: clinical testing. Allele origin: germline. Affected: yes.
Comment: Canonical splice site variant predicted to result in a null allele in a gene for which loss of function is a known mechanism of disease; Has not been previously published as pathogenic or benign to our knowledge

Ambry Genetics
Classification: Uncertain significance for Inborn genetic diseases. Last evaluated: 2018-03-23. Review status: criteria provided, single submitter. Criteria: Ambry exome assertion method (8-5-2015). Collection method: clinical testing. Allele origin: germline. Affected: yes. Observed: 1 variant allele.

NM_001904.4(CTNNB1):c.2077-2A>G

Gene: CTNNB1 (catenin beta 1; plus strand). Cytogenetic location: 3p22.1.
Variant type: single nucleotide variant.
Coding change: c.2077-2A>G on transcript NM_001904.4 (MANE Select); the canonical splice acceptor site of the intron before coding-DNA position 2077, A replaced by G.
Molecular consequence: splice acceptor variant.
Genome position (GRCh38, 1-based): chr3:41,238,014, A>G. VCF-style: chr3-41238014-A-G. GRCh37 (hg19) VCF-style: chr3-41279505-A-G.
Other names: c.2056-2A>G (NM_001330729.2); c.2077-2A>G (NM_001098209.2, NM_001098210.2).
Identifiers: ClinVar variation 985127 (VCV000985127.5), dbSNP rs747601516, ClinGen allele CA2331264.